The following is an entry in ClinVar:

NM_000744.7(CHRNA4):c.568G>T (p.Asp190Tyr)

Gene: CHRNA4 (cholinergic receptor nicotinic alpha 4 subunit; minus strand). Cytogenetic location: 20q13.33.
Variant type: single nucleotide variant.
Coding change: c.568G>T on transcript NM_000744.7 (MANE Select); coding-DNA position 568, G replaced by T.
Protein change: p.Asp190Tyr; replaces aspartic acid 190 with tyrosine.
Molecular consequence: missense variant. On other transcripts: non-coding transcript variant (1).
Genome position (GRCh38, 1-based): chr20:63,350,843, C>A on the plus strand (G>T on the coding strand, the complement: CHRNA4 is on the minus strand). VCF-style: chr20-63350843-C-A. GRCh37 (hg19) VCF-style: chr20-61982195-C-A.
Other names: c.40G>T, p.Asp14Tyr (NM_001256573.2); short protein forms D190Y, D14Y.
Identifiers: ClinVar variation 1044568 (VCV001044568.9), dbSNP rs750232429, ClinGen allele CA409637874.

ClinVar aggregate classification (germline): Uncertain significance (1 of 4 stars; one submission).

Conditions:
Familial sleep-related hypermotor epilepsy. Also called: Autosomal Dominant Sleep-Related Hypermotor (Hyperkinetic) Epilepsy. Identifiers: Orphanet 98784, MedGen C3696898, MONDO:0000030.

Submission:

Labcorp Genetics (formerly Invitae), Labcorp
Classification: Uncertain significance. Last evaluated: 2025-06-01. Review status: criteria provided, single submitter. Criteria: Invitae Variant Classification Sherloc (09022015). Collection method: clinical testing. Allele origin: germline.
Comment: This sequence change replaces aspartic acid, which is acidic and polar, with tyrosine, which is neutral and polar, at codon 190 of the CHRNA4 protein (p.Asp190Tyr). This variant is not present in population databases (gnomAD no frequency). This variant has not been reported in the literature in individuals affected with CHRNA4-related conditions. ClinVar contains an entry for this variant (Variation ID: 1044568). Invitae Evidence Modeling of protein sequence and biophysical properties (such as structural, functional, and spatial information, amino acid conservation, physicochemical variation, residue mobility, and thermodynamic stability) indicates that this missense variant is expected to disrupt CHRNA4 protein function with a positive predictive value of 80%. In summary, the available evidence is currently insufficient to determine the role of this variant in disease. Therefore, it has been classified as a Variant of Uncertain Significance.